The following is an entry in ClinVar:

ClinVar aggregate classification (germline): Conflicting classifications of pathogenicity. Review status: criteria provided, conflicting classifications (1 of 4 stars). 14 submissions from 13 submitters: Uncertain significance (2); Benign (1); Likely benign (10). 1 of the submissions does not count toward it. Last evaluated 2026-09-01.

Conditions:
Walker-Warburg congenital muscular dystrophy. Also called: Muscular dystrophy-dystroglycanopathy, type A; Walker-Warburg syndrome. Identifiers: Orphanet 899, MedGen C0265221, MONDO:0000171.
Ventricular tachycardia. Identifiers: MedGen C0042514, MONDO:0005477, HP:0004756.
Cardiomyopathy (CMYO). Also called: Cardiomyopathies. Identifiers: Orphanet 167848, MedGen C0878544, MONDO:0004994, HP:0001638. Inheritance: Various modes of inheritance.
Cardiovascular phenotype. Identifiers: MedGen CN230736.
Muscular dystrophy-dystroglycanopathy (congenital with brain and eye anomalies), type A, 4 (MDDGA4). Also called: Fukuyama congenital muscular dystrophy; Walker-Warburg Syndrome, Fktn-Related; Muscular dystrophy, congenital progressive, with mental retardation; Muscular dystrophy, congenital, with central nervous system involvement; Cerebromuscular dystrophy, Fukuyama type; WALKER-WARBURG SYNDROME OR MUSCLE-EYE-BRAIN DISEASE, FKTN-RELATED. Identifiers: Orphanet 272, Orphanet 588, Orphanet 899, MedGen C0410174, MONDO:0009678, OMIM 253800.
Dilated cardiomyopathy 1X (CMD1X). Also called: FKTN-Related Dilated Cardiomyopathy; CARDIOMYOPATHY, DILATED, WITH MILD OR NO PROXIMAL MUSCLE WEAKNESS. Identifiers: Orphanet 154, MedGen C1969024, MONDO:0012704, OMIM 611615.

Allele frequency attached by ClinVar (database versions not stated): 1000 Genomes Project 0.00100; ExAC 0.00183; 1000 Genomes Project 30x 0.00078; TOPMed 0.00132; ESP Exome Variant Server 0.00192; gnomAD exomes 0.00203; gnomAD 0.00218 and 0.00228.
gnomAD v4.1: 4,160 of 1,614,198 alleles (0.26%); highest among the groups gnomAD compares: Non-Finnish European, 0.3%; 11 homozygotes.

Submissions (14):

CeGaT Center for Human Genetics Tuebingen
Classification: Likely benign. Last evaluated: 2026-09-01. Review status: criteria provided, single submitter. Criteria: CeGaT Center For Human Genetics Tuebingen Variant Classification Criteria Version 2. Collection method: clinical testing. Allele origin: germline. Affected: yes. Observed: 25 variant alleles.
Comment: FKTN: BP4, BS2

Labcorp Genetics (formerly Invitae), Labcorp
Classification: Likely benign for Walker-Warburg congenital muscular dystrophy. Last evaluated: 2026-02-02. Review status: criteria provided, single submitter. Criteria: Invitae Variant Classification Sherloc (09022015). Collection method: clinical testing. Allele origin: germline.

Women's Health and Genetics/Laboratory Corporation of America, LabCorp
Classification: Likely benign. Last evaluated: 2025-04-29. Review status: criteria provided, single submitter. Criteria: LabCorp Variant Classification Summary - May 2015. Collection method: clinical testing. Allele origin: germline.
Comment: Variant summary: FKTN c.1297A>G (p.Thr433Ala) results in a non-conservative amino acid change in the encoded protein sequence. Three of five in-silico tools predict a benign effect of the variant on protein function. The variant allele was found at a frequency of 0.0026 in 1614198 control chromosomes, predominantly at a frequency of 0.003 within the Non-Finnish European subpopulation in the gnomAD database, including 8 homozygotes. This frequency is not significantly higher than estimated for a pathogenic variant in FKTN causing Cardiomyopathy (0.0026 vs 0.005), allowing no conclusion about variant significance. c.1297A>G has been observed in individual(s) affected with Cardiomyopathy (Jaaskelainen_2019) without evidence for causality. These report(s) do not provide unequivocal conclusions about association of the variant with Cardiomyopathy. Co-occurrences with other pathogenic variant(s) have been reported (MYH7 c.3158G>A, p.Arg1053Gln; MYBPC3 c.927-2A>G; MYBPC3 c.2373dup, p.Trp792fs; MYBPC3 c.3181C>T, p.Gln1061Ter), providing supporting evidence for a benign role. To our knowledge, no experimental evidence demonstrating an impact on protein function has been reported. The following publication have been ascertained in the context of this evaluation (PMID: 30775854). ClinVar contains an entry for this variant (Variation ID: 36137). Based on the evidence outlined above, the variant was classified as likely benign.

Molecular Diagnostic Laboratory for Inherited Cardiovascular Disease, Montreal Heart Institute
Classification: Likely benign. Last evaluated: 2025-04-09. Review status: criteria provided, single submitter. Criteria: ACMG Guidelines, 2015. Collection method: clinical testing. Allele origin: germline. Affected: no.

Mayo Clinic Laboratories, Mayo Clinic
Classification: Benign. Last evaluated: 2025-03-26. Review status: criteria provided, single submitter. Criteria: ACMG Guidelines, 2015. Collection method: clinical testing. Allele origin: germline. Observed: 5 variant alleles.
Comment: BS1, BS2, BP4_moderate

Blueprint Genetics
Classification: Likely benign. Last evaluated: 2024-11-25. Review status: criteria provided, single submitter. Criteria: ACMG Guidelines, 2015. Collection method: clinical testing. Allele origin: germline.

GeneDx
Classification: Likely benign. Last evaluated: 2021-04-29. Review status: criteria provided, single submitter. Criteria: GeneDx Variant Classification Process June 2021. Collection method: clinical testing. Allele origin: germline. Affected: yes.

Athena Diagnostics
Classification: Likely benign. Last evaluated: 2019-01-10. Review status: criteria provided, single submitter. Criteria: Athena Diagnostics Criteria. Collection method: clinical testing. Allele origin: germline.

Center for Advanced Laboratory Medicine, UC San Diego Health, University of California San Diego
Classification: Likely benign for Cardiomyopathy; Ventricular tachycardia. Last evaluated: 2019-01-10. Review status: criteria provided, single submitter. Criteria: ACMG Guidelines, 2015. Collection method: clinical testing. Allele origin: germline. Affected: yes. Observed: 2 variant alleles.

Ambry Genetics
Classification: Likely benign for Cardiovascular phenotype. Last evaluated: 2018-05-09. Review status: criteria provided, single submitter. Criteria: Ambry Variant Classification Scheme 2023. Collection method: clinical testing. Allele origin: germline.

Illumina Laboratory Services, Illumina
Classification: Uncertain significance for Muscular dystrophy-dystroglycanopathy (congenital with brain and eye anomalies), type A, 4. Last evaluated: 2018-01-12. Review status: criteria provided, single submitter. Criteria: ICSL Variant Classification Criteria 13 December 2019. Collection method: clinical testing. Allele origin: germline.

Illumina Laboratory Services, Illumina
Classification: Uncertain significance for Dilated cardiomyopathy 1X. Last evaluated: 2018-01-12. Review status: criteria provided, single submitter. Criteria: ICSL Variant Classification Criteria 13 December 2019. Collection method: clinical testing. Allele origin: germline.

Eurofins Ntd Llc (ga)
Classification: Likely benign. Last evaluated: 2015-12-10. Review status: criteria provided, single submitter. Criteria: EGL Classification Definitions 2015. Collection method: clinical testing. Allele origin: germline. Observed: 11 variant alleles, 11 heterozygotes.

Natera, Inc.
Classification: Likely benign for Walker-Warburg congenital muscular dystrophy. Last evaluated: 2020-04-03. Review status: no assertion criteria provided. Collection method: clinical testing. Allele origin: germline. Not counted in ClinVar's aggregate classification.

Literature cited by the submitters: PubMed 30775854 (cited by Women's Health and Genetics/Laboratory Corporation of America, LabCorp); PubMed 36199823 (cited by Mayo Clinic Laboratories, Mayo Clinic).

NM_001079802.2(FKTN):c.1297A>G (p.Thr433Ala)

Gene: FKTN (fukutin; plus strand). Cytogenetic location: 9q31.2.
Variant type: single nucleotide variant.
Coding change: c.1297A>G on transcript NM_001079802.2 (MANE Select); coding-DNA position 1297, A replaced by G.
Protein change: p.Thr433Ala; replaces threonine 433 with alanine.
Molecular consequence: missense variant. On other transcripts: 3 prime UTR variant (1), non-coding transcript variant (2), intron variant (1).
Genome position (GRCh38, 1-based): chr9:105,635,175, A>G. VCF-style: chr9-105635175-A-G. GRCh37 (hg19) VCF-style: chr9-108397456-A-G.
Other names: p.T433A:ACG>GCG; c.1297A>G, p.Thr433Ala (NM_001351496.2, NM_006731.2); c.1228A>G, p.Thr410Ala (NM_001351497.2); c.*89A>G (NM_001351498.2); c.901A>G, p.Thr301Ala (NM_001351499.2, NM_001351500.2, NM_001351501.2 and 1 more transcripts); c.1270+27A>G (NM_001198963.2); short protein forms T433A, T301A, T410A.
Identifiers: ClinVar variation 36137 (VCV000036137.79), dbSNP rs141918432, ClinGen allele CA295366.
Genomic context (GRCh38, chr9:105,635,175, plus strand): 5'-TGTGAAACCCTCGAATACATTGAAGCCAACTATGGTAAGACCTGGAAGATTCCTGTAAAG[A>G]CGTGGGACTGGAAGCGCTCTCCTCCCAATGTGCAACCCAATGGAATCTGGCCTATTTCTG-3'
Protein context (NP_001073270.1, residues 423-443): YGKTWKIPVK[Thr433Ala]WDWKRSPPNV